The following is an entry in ClinVar:

ClinVar aggregate classification (germline): Uncertain significance (1 of 4 stars; one submission).

Conditions:
Deficiency of alpha-mannosidase (MANSA). Also called: Alpha-Mannosidosis; Mannosidosis, alpha-, types I and II; LYSOSOMAL ALPHA-D-MANNOSIDASE DEFICIENCY. Identifiers: Orphanet 61, MedGen C0024748, MONDO:0009561, OMIM 248500.

Submission:

Labcorp Genetics (formerly Invitae), Labcorp
Classification: Uncertain significance for Deficiency of alpha-mannosidase. Last evaluated: 2025-03-07. Review status: criteria provided, single submitter. Criteria: Invitae Variant Classification Sherloc (09022015). Collection method: clinical testing. Allele origin: germline.
Comment: This sequence change replaces proline, which is neutral and non-polar, with histidine, which is basic and polar, at codon 561 of the MAN2B1 protein (p.Pro561His). This variant is not present in population databases (gnomAD no frequency). This variant has not been reported in the literature in individuals affected with MAN2B1-related conditions. ClinVar contains an entry for this variant (Variation ID: 1715596). Invitae Evidence Modeling of protein sequence and biophysical properties (such as structural, functional, and spatial information, amino acid conservation, physicochemical variation, residue mobility, and thermodynamic stability) indicates that this missense variant is not expected to disrupt MAN2B1 protein function with a negative predictive value of 95%. In summary, the available evidence is currently insufficient to determine the role of this variant in disease. Therefore, it has been classified as a Variant of Uncertain Significance.

NM_000528.4(MAN2B1):c.1682C>A (p.Pro561His)

Gene: MAN2B1 (mannosidase alpha class 2B member 1; minus strand). Cytogenetic location: 19p13.13.
Variant type: single nucleotide variant.
Coding change: c.1682C>A on transcript NM_000528.4 (MANE Select); coding-DNA position 1682, C replaced by A.
Protein change: p.Pro561His; replaces proline 561 with histidine.
Molecular consequence: missense variant.
Genome position (GRCh38, 1-based): chr19:12,655,842, G>T on the plus strand (C>A on the coding strand, the complement: MAN2B1 is on the minus strand). VCF-style: chr19-12655842-G-T. GRCh37 (hg19) VCF-style: chr19-12766656-G-T.
Other names: c.1679C>A, p.Pro560His (NM_001173498.2); short protein forms P560H, P561H.
Identifiers: ClinVar variation 1715596 (VCV001715596.5), dbSNP rs372845403, ClinGen allele CA404244994.